The following is an entry in ClinVar:

ClinVar aggregate classification (germline): Conflicting classifications of pathogenicity. Review status: criteria provided, conflicting classifications (1 of 4 stars). 4 submissions from 4 submitters: Uncertain significance (1); Likely benign (2). 1 of the submissions does not count toward it. Last evaluated 2025-12-10.

Conditions:
Myopathy, centronuclear, 5 (CNM5). Identifiers: Orphanet 169186, MedGen C4014814, MONDO:0014418, OMIM 615959.
SPEG-related disorder. Also called: SPEG-related condition.

Allele frequency attached by ClinVar (database versions not stated): ExAC below 0.00001; gnomAD exomes 0.00003 and 0.00004; 1000 Genomes Project 0.00020; 1000 Genomes Project 30x 0.00031; gnomAD 0.00042 and 0.00047; TOPMed 0.00060.
gnomAD v4.1: 118 of 1,461,508 alleles (0.0081%); highest among the groups gnomAD compares: African/African-American, 0.15%; no homozygotes.

Submissions (4):

Labcorp Genetics (formerly Invitae), Labcorp
Classification: Likely benign. Last evaluated: 2025-12-10. Review status: criteria provided, single submitter. Criteria: Invitae Variant Classification Sherloc (09022015). Collection method: clinical testing. Allele origin: germline.

Blueprint Genetics
Classification: Likely benign. Last evaluated: 2024-11-06. Review status: criteria provided, single submitter. Criteria: ACMG Guidelines, 2015. Collection method: clinical testing. Allele origin: germline.

Revvity Omics, Revvity
Classification: Uncertain significance for Myopathy, centronuclear, 5. Last evaluated: 2023-08-31. Review status: criteria provided, single submitter. Criteria: ACMG Guidelines, 2015. Collection method: clinical testing. Allele origin: germline.

PreventionGenetics, part of Exact Sciences
Classification: Likely benign for SPEG-related condition. Last evaluated: 2019-04-05. Review status: no assertion criteria provided. Collection method: clinical testing. Allele origin: germline. Not counted in ClinVar's aggregate classification.
Comment: This variant is classified as likely benign based on ACMG/AMP sequence variant interpretation guidelines (Richards et al. 2015 PMID: 25741868, with internal and published modifications).

NM_005876.5(SPEG):c.7302G>A (p.Gly2434=)

Genes: ASIC4-AS1 (ASIC4 antisense RNA 1; minus strand), SPEG (striated muscle enriched protein kinase; plus strand). Cytogenetic location: 2q35.
Variant type: single nucleotide variant.
Coding change: c.7302G>A on transcript NM_005876.5 (MANE Select); coding-DNA position 7302, G replaced by A.
Protein change: p.Gly2434=; no amino-acid change (glycine 2434 retained).
Molecular consequence: synonymous variant.
Genome position (GRCh38, 1-based): chr2:219,484,765, G>A. VCF-style: chr2-219484765-G-A. GRCh37 (hg19) VCF-style: chr2-220349487-G-A.
Identifiers: ClinVar variation 713059 (VCV000713059.13), dbSNP rs550025279, ClinGen allele CA2127195.
Genomic context (GRCh38, chr2:219,484,765, plus strand): 5'-CCAGCGGCTGCGGCGGACCCCTCCCGCGCAGCGCCACCCGGCCTGGGAGGCCCGCGGCGG[G>A]GACGGAGAGAGCTCGGAGGGCGGGAGCTCGGCGCGGGGCTCCCCGGTGCTGGCGATGCGC-3'
Protein context (NP_005867.3, residues 2424-2444): QRHPAWEARG[Gly2434=]DGESSEGGSS